The following is an entry in ClinVar:

ClinVar aggregate classification (germline): Uncertain significance (1 of 4 stars; one submission).

Conditions:
SH2B1-related disorder. Also called: SH2B1-related condition.

Submission:

PreventionGenetics, part of Exact Sciences
Classification: Uncertain significance for SH2B1-related condition. Last evaluated: 2026-09-01. Review status: criteria provided, single submitter. Criteria: ACMG Guidelines, 2015. Collection method: clinical testing. Allele origin: germline.
Comment: The SH2B1 c.2203C>T variant is predicted to result in the amino acid substitution p.Pro735Ser. To our knowledge, this variant has not been reported in the literature or in the population database gnomAD, indicating that this variant is rare. At this time, the clinical significance of this variant is uncertain due to the absence of conclusive functional and genetic evidence.

NM_001387430.1(SH2B1):c.2203C>T (p.Pro735Ser)

Gene: SH2B1 (SH2B adaptor protein 1; plus strand). Cytogenetic location: 16p11.2.
Variant type: single nucleotide variant.
Coding change: c.2203C>T on transcript NM_001387430.1 (MANE Select); coding-DNA position 2203, C replaced by T.
Protein change: p.Pro735Ser; replaces proline 735 with serine.
Molecular consequence: missense variant. On other transcripts: 3 prime UTR variant (5).
Genome position (GRCh38, 1-based): chr16:28,873,752, C>T. VCF-style: chr16-28873752-C-T. GRCh37 (hg19) VCF-style: chr16-28885073-C-T.
Other names: c.2203C>T, p.Pro735Ser (NM_001145795.2, NM_001308293.2, NM_001387404.1); c.*287C>T (NM_001145796.2, NM_001145812.2, NM_001308294.2 and 1 more transcripts); c.*304C>T (NM_001145797.2); short protein forms P735S.
Identifiers: ClinVar variation 4983078 (VCV004983078.1).